The following is an entry in ClinVar:

NM_001931.5(DLAT):c.1253G>A (p.Gly418Asp)

Gene: DLAT (dihydrolipoamide S-acetyltransferase; plus strand). Cytogenetic location: 11q23.1.
Variant type: single nucleotide variant.
Coding change: c.1253G>A on transcript NM_001931.5 (MANE Select); coding-DNA position 1253, G replaced by A.
Protein change: p.Gly418Asp; replaces glycine 418 with aspartic acid.
Molecular consequence: missense variant. On other transcripts: non-coding transcript variant (1).
Genome position (GRCh38, 1-based): chr11:112,045,193, G>A. VCF-style: chr11-112045193-G-A. GRCh37 (hg19) VCF-style: chr11-111915917-G-A.
Other names: c.1253G>A, p.Gly418Asp (NM_001372031.1, NM_001372033.1, NM_001372035.1); c.1247G>A, p.Gly416Asp (NM_001372032.1); c.1220G>A, p.Gly407Asp (NM_001372034.1); c.1127G>A, p.Gly376Asp (NM_001372036.1); c.1085G>A, p.Gly362Asp (NM_001372037.1); c.974G>A, p.Gly325Asp (NM_001372038.1); c.938G>A, p.Gly313Asp (NM_001372039.1, NM_001372041.1); c.872G>A, p.Gly291Asp (NM_001372040.1); and 2 more; short protein forms G264D, G416D, G418D, G376D, G407D, G291D, G362D, G313D.
Identifiers: ClinVar variation 2189606 (VCV002189606.5), dbSNP rs782786806, ClinGen allele CA6276865.

ClinVar aggregate classification (germline): Uncertain significance. Review status: criteria provided, multiple submitters, no conflicts (2 of 4 stars). 2 submissions from 2 submitters: Uncertain significance (2). Last evaluated 2025-04-18.

Conditions:
Pyruvate dehydrogenase E2 deficiency (PDHDD). Also called: Dihydrolipoamide Acetyltransferase (E2) Deficiency; LACTIC ACIDEMIA DUE TO DEFECT OF E2 LIPOYL TRANSACETYLASE OF THE PYRUVATE DEHYDROGENASE COMPLEX. Identifiers: Orphanet 765, Orphanet 79244, MedGen C1855565, MONDO:0009502, OMIM 245348.
Inborn genetic diseases. Identifiers: MedGen C0950123, MeSH D030342.

Allele frequency attached by ClinVar (database versions not stated): gnomAD 0.00001; ExAC 0.00002.
gnomAD v4.1: 15 of 1,613,990 alleles (0.00093%); highest among the groups gnomAD compares: Middle Eastern, 0.016%; no homozygotes.

Submissions (2):

Ambry Genetics
Classification: Uncertain significance for Inborn genetic diseases. Last evaluated: 2025-04-18. Review status: criteria provided, single submitter. Criteria: Ambry Variant Classification Scheme 2023. Collection method: clinical testing. Allele origin: germline.

Labcorp Genetics (formerly Invitae), Labcorp
Classification: Uncertain significance for Pyruvate dehydrogenase E2 deficiency. Last evaluated: 2022-07-18. Review status: criteria provided, single submitter. Criteria: Invitae Variant Classification Sherloc (09022015). Collection method: clinical testing. Allele origin: germline.
Comment: This variant is present in population databases (rs782786806, gnomAD 0.01%). In summary, the available evidence is currently insufficient to determine the role of this variant in disease. Therefore, it has been classified as a Variant of Uncertain Significance. Advanced modeling of protein sequence and biophysical properties (such as structural, functional, and spatial information, amino acid conservation, physicochemical variation, residue mobility, and thermodynamic stability) performed at Invitae indicates that this missense variant is not expected to disrupt DLAT protein function. This variant has not been reported in the literature in individuals affected with DLAT-related conditions. This sequence change replaces glycine, which is neutral and non-polar, with aspartic acid, which is acidic and polar, at codon 418 of the DLAT protein (p.Gly418Asp).